The following is an entry in ClinVar:

ClinVar aggregate classification (germline): Uncertain significance (1 of 4 stars; one submission).

Conditions:
Neurooculocardiogenitourinary syndrome. Identifiers: Orphanet 684305, MedGen C5231443, MONDO:0032850, OMIM 618652.

gnomAD v4.1: 1 of 1,613,974 alleles (0.000062%); highest among the groups gnomAD compares: Non-Finnish European, 0.000085%; no homozygotes.

Submission:

Laboratorio de Genetica e Diagnostico Molecular, Hospital Israelita Albert Einstein
Classification: Uncertain significance for Neurooculocardiogenitourinary syndrome. Last evaluated: 2025-03-31. Review status: criteria provided, single submitter. Criteria: ACMG Guidelines, 2015. Collection method: clinical testing. Allele origin: germline. Affected: yes.
Comment: ACMG classification criteria: PM2 supporting, BP4 supporting

NM_014023.4(WDR37):c.967G>A (p.Asp323Asn)

Gene: WDR37 (WD repeat domain 37; plus strand). Cytogenetic location: 10p15.3.
Variant type: single nucleotide variant.
Coding change: c.967G>A on transcript NM_014023.4 (MANE Select); coding-DNA position 967, G replaced by A.
Protein change: p.Asp323Asn; replaces aspartic acid 323 with asparagine.
Molecular consequence: missense variant.
Genome position (GRCh38, 1-based): chr10:1,105,131, G>A. VCF-style: chr10-1105131-G-A. GRCh37 (hg19) VCF-style: chr10-1151071-G-A.
Other names: short protein forms D323N.
Identifiers: ClinVar variation 4076323 (VCV004076323.1).